The following is an entry in ClinVar:

NM_000257.4(MYH7):c.3572C>T (p.Ala1191Val)

Gene: MYH7 (myosin heavy chain 7; minus strand). Cytogenetic location: 14q11.2.
Variant type: single nucleotide variant.
Coding change: c.3572C>T on transcript NM_000257.4 (MANE Select); coding-DNA position 3572, C replaced by T.
Protein change: p.Ala1191Val; replaces alanine 1191 with valine.
Molecular consequence: missense variant.
Genome position (GRCh38, 1-based): chr14:23,419,999, G>A on the plus strand (C>T on the coding strand, the complement: MYH7 is on the minus strand). VCF-style: chr14-23419999-G-A. GRCh37 (hg19) VCF-style: chr14-23889208-G-A.
Other names: short protein forms A1191V.
Identifiers: ClinVar variation 1464958 (VCV001464958.4), dbSNP rs1352759754, ClinGen allele CA389043427.

ClinVar aggregate classification (germline): Uncertain significance. Review status: criteria provided, multiple submitters, no conflicts (2 of 4 stars). 2 submissions from 2 submitters: Uncertain significance (2). Last evaluated 2024-03-06.

Conditions:
Cardiomyopathy (CMYO). Also called: Cardiomyopathies. Identifiers: Orphanet 167848, MedGen C0878544, MONDO:0004994, HP:0001638. Inheritance: Various modes of inheritance.
Hypertrophic cardiomyopathy. Also called: HYPERTROPHIC MYOCARDIOPATHY. Identifiers: Orphanet 217569, MedGen C0007194, MeSH D002312, MONDO:0005045, HP:0001639.

Submissions (2):

Color Diagnostics, LLC DBA Color Health
Classification: Uncertain significance for Cardiomyopathy. Last evaluated: 2024-03-06. Review status: criteria provided, single submitter. Criteria: ACMG Guidelines, 2015. Collection method: clinical testing. Allele origin: germline.
Comment: This missense variant replaces alanine with valine at codon 1191 of the MYH7 protein. Computational prediction tool suggests that this variant may not impact protein structure and function. Splice site prediction tools suggest that this variant may not impact RNA splicing. To our knowledge, functional studies have not been performed for this variant. This variant has not been reported in individuals affected with cardiovascular disorders in the literature. This variant has not been identified in the general population by the Genome Aggregation Database (gnomAD). The available evidence is insufficient to determine the role of this variant in disease conclusively. Therefore, this variant is classified as a Variant of Uncertain Significance.

Labcorp Genetics (formerly Invitae), Labcorp
Classification: Uncertain significance for Hypertrophic cardiomyopathy. Last evaluated: 2021-08-16. Review status: criteria provided, single submitter. Criteria: Invitae Variant Classification Sherloc (09022015). Collection method: clinical testing. Allele origin: germline.
Comment: This sequence change replaces alanine with valine at codon 1191 of the MYH7 protein (p.Ala1191Val). The alanine residue is moderately conserved and there is a small physicochemical difference between alanine and valine. This variant is not present in population databases (ExAC no frequency). This variant has not been reported in the literature in individuals affected with MYH7-related conditions. Algorithms developed to predict the effect of missense changes on protein structure and function are either unavailable or do not agree on the potential impact of this missense change (SIFT: "Deleterious"; PolyPhen-2: "Benign"; Align-GVGD: "Class C0"). In summary, the available evidence is currently insufficient to determine the role of this variant in disease. Therefore, it has been classified as a Variant of Uncertain Significance.